The following is an entry in ClinVar:

ClinVar aggregate classification (germline): Uncertain significance. Review status: criteria provided, multiple submitters, no conflicts (2 of 4 stars). 2 submissions from 2 submitters: Uncertain significance (2). Last evaluated 2023-11-01.

Conditions:
Combined immunodeficiency due to LRBA deficiency. Also called: Common variable immunodeficiency 8, with autoimmunity. Identifiers: Orphanet 445018, MedGen C3553512, MONDO:0013863, OMIM 614700.

Allele frequency attached by ClinVar (database versions not stated): gnomAD exomes below 0.00001; ExAC 0.00001; gnomAD 0.00001.
gnomAD v4.1: 6 of 1,613,984 alleles (0.00037%); highest among the groups gnomAD compares: African/African-American, 0.0027%; no homozygotes.

Submissions (2):

Blueprint Genetics
Classification: Uncertain significance. Last evaluated: 2023-11-01. Review status: criteria provided, single submitter. Criteria: ACMG Guidelines, 2015. Collection method: clinical testing. Allele origin: germline.

Labcorp Genetics (formerly Invitae), Labcorp
Classification: Uncertain significance for Combined immunodeficiency due to LRBA deficiency. Last evaluated: 2022-07-11. Review status: criteria provided, single submitter. Criteria: Invitae Variant Classification Sherloc (09022015). Collection method: clinical testing. Allele origin: germline.
Comment: Algorithms developed to predict the effect of missense changes on protein structure and function (SIFT, PolyPhen-2, Align-GVGD) all suggest that this variant is likely to be tolerated. ClinVar contains an entry for this variant (Variation ID: 1420718). This variant has not been reported in the literature in individuals affected with LRBA-related conditions. This variant is not present in population databases (gnomAD no frequency). This sequence change replaces valine, which is neutral and non-polar, with isoleucine, which is neutral and non-polar, at codon 1196 of the LRBA protein (p.Val1196Ile). In summary, the available evidence is currently insufficient to determine the role of this variant in disease. Therefore, it has been classified as a Variant of Uncertain Significance.

NM_001364905.1(LRBA):c.3586G>A (p.Val1196Ile)

Gene: LRBA (LPS responsive beige-like anchor protein; minus strand). Cytogenetic location: 4q31.3.
Variant type: single nucleotide variant.
Coding change: c.3586G>A on transcript NM_001364905.1 (MANE Select); coding-DNA position 3586, G replaced by A.
Protein change: p.Val1196Ile; replaces valine 1196 with isoleucine.
Molecular consequence: missense variant.
Genome position (GRCh38, 1-based): chr4:150,852,124, C>T on the plus strand (G>A on the coding strand, the complement: LRBA is on the minus strand). VCF-style: chr4-150852124-C-T. GRCh37 (hg19) VCF-style: chr4-151773276-C-T.
Other names: c.3586G>A, p.Val1196Ile (NM_001199282.3, NM_001367550.1, NM_006726.5); short protein forms V1196I.
Identifiers: ClinVar variation 1420718 (VCV001420718.9), dbSNP rs751542001, ClinGen allele CA3103019.